The following is an entry in ClinVar:

ClinVar aggregate classification (germline): Uncertain significance. Review status: criteria provided, multiple submitters, no conflicts (2 of 4 stars). 3 submissions from 3 submitters: Uncertain significance (3). Last evaluated 2026-02-16.

Conditions:
USH2A-related disorder. Also called: USH2A-related condition; USH2A-related disorders. Identifiers: MedGen CN239332.

gnomAD v4.1: 4 of 1,613,884 alleles (0.00025%); highest among the groups gnomAD compares: Admixed American, 0.0033%; no homozygotes.

Submissions (3):

PreventionGenetics, part of Exact Sciences
Classification: Uncertain significance for USH2A-related condition. Last evaluated: 2026-02-16. Review status: criteria provided, single submitter. Criteria: ACMG Guidelines, 2015. Collection method: clinical testing. Allele origin: germline.
Comment: The USH2A c.5681C>G variant is predicted to result in the amino acid substitution p.Thr1894Ser. To our knowledge, this variant has not been reported in the literature. This variant is reported in 0.0058% of alleles in individuals of Latino descent in gnomAD. At this time, the clinical significance of this variant is uncertain due to the absence of conclusive functional and genetic evidence.

Blueprint Genetics
Classification: Uncertain significance. Last evaluated: 2024-09-03. Review status: criteria provided, single submitter. Criteria: ACMG Guidelines, 2015. Collection method: clinical testing. Allele origin: germline.

Labcorp Genetics (formerly Invitae), Labcorp
Classification: Uncertain significance. Last evaluated: 2022-09-12. Review status: criteria provided, single submitter. Criteria: Invitae Variant Classification Sherloc (09022015). Collection method: clinical testing. Allele origin: germline.
Comment: This sequence change replaces threonine, which is neutral and polar, with serine, which is neutral and polar, at codon 1894 of the USH2A protein (p.Thr1894Ser). This variant is present in population databases (rs757899154, gnomAD 0.003%). This variant has not been reported in the literature in individuals affected with USH2A-related conditions. Advanced modeling of protein sequence and biophysical properties (such as structural, functional, and spatial information, amino acid conservation, physicochemical variation, residue mobility, and thermodynamic stability) performed at Invitae indicates that this missense variant is not expected to disrupt USH2A protein function. In summary, the available evidence is currently insufficient to determine the role of this variant in disease. Therefore, it has been classified as a Variant of Uncertain Significance.

NM_206933.4(USH2A):c.5681C>G (p.Thr1894Ser)

Genes: USH2A (usherin; minus strand), USH2A-AS2 (USH2A antisense RNA 2; plus strand). Cytogenetic location: 1q41.
Variant type: single nucleotide variant.
Coding change: c.5681C>G on transcript NM_206933.4 (MANE Select); coding-DNA position 5681, C replaced by G.
Protein change: p.Thr1894Ser; replaces threonine 1894 with serine.
Molecular consequence: missense variant.
Genome position (GRCh38, 1-based): chr1:216,073,192, G>C on the plus strand (C>G on the coding strand, the complement: USH2A is on the minus strand). VCF-style: chr1-216073192-G-C. GRCh37 (hg19) VCF-style: chr1-216246534-G-C.
Other names: c.5681C>G (NM_206933.2); short protein forms T1894S.
Identifiers: ClinVar variation 2078798 (VCV002078798.3), dbSNP rs757899154, ClinGen allele CA1395382.
Genomic context (GRCh38, chr1:216,073,192, plus strand): 5'-TGCTCTTTTCCCTGGTAAACCAGGATGGAGTCATTTCCCCTGCAGTTAACAGCACTGTCA[G>C]TTGATAGGCATCCATCCAGATTGACTCTGACAGCACCGCTGGACACAGATGCCAAGTTAA-3'
Protein context (NP_996816.3, residues 1884-1904): VRVNLDGCLS[Thr1894Ser]DSAVNCRGND